The following is an entry in ClinVar:

ClinVar aggregate classification (germline): Likely benign (1 of 4 stars; one submission).

Submission:

CeGaT Center for Human Genetics Tuebingen
Classification: Likely benign. Last evaluated: 2025-08-01. Review status: criteria provided, single submitter. Criteria: CeGaT Center For Human Genetics Tuebingen Variant Classification Criteria Version 2. Collection method: clinical testing. Allele origin: germline. Affected: yes. Observed: 1 variant allele.
Comment: NF1: PM2:Supporting, BP4, BP7

NM_001042492.3(NF1):c.7077A>G (p.Val2359=)

Gene: NF1 (neurofibromin 1; plus strand). Cytogenetic location: 17q11.2.
Variant type: single nucleotide variant.
Coding change: c.7077A>G on transcript NM_001042492.3 (MANE Select); coding-DNA position 7077, A replaced by G.
Protein change: p.Val2359=; no amino-acid change (valine 2359 retained).
Molecular consequence: synonymous variant.
Genome position (GRCh38, 1-based): chr17:31,343,023, A>G. VCF-style: chr17-31343023-A-G. GRCh37 (hg19) VCF-style: chr17-29670041-A-G.
Other names: c.7014A>G, p.Val2338= (NM_000267.4).
Identifiers: ClinVar variation 4085777 (VCV004085777.8).
Genomic context (GRCh38, chr17:31,343,023, plus strand): 5'-GCTACTGTGTGAACCTCATCAACCATCTCATGATTATCTTTAATAGAGTCCAGAGGAAGT[A>G]TTTATGGCAATCCGGAATCCTCTGGAGTGGCACTGCAAGCAAATGGATCATTTTGTTGGA-3'
Protein context (NP_001035957.1, residues 2349-2369): RIFNDKSPEE[Val2359=]FMAIRNPLEW